The following is an entry in ClinVar:

NM_004333.6(BRAF):c.1295C>T (p.Ser432Leu)

Gene: BRAF (B-Raf proto-oncogene, serine/threonine kinase; minus strand). Cytogenetic location: 7q34.
Variant type: single nucleotide variant.
Coding change: c.1295C>T on transcript NM_004333.6 (MANE Select); coding-DNA position 1295, C replaced by T.
Protein change: p.Ser432Leu; replaces serine 432 with leucine.
Molecular consequence: missense variant.
Genome position (GRCh38, 1-based): chr7:140,783,040, G>A on the plus strand (C>T on the coding strand, the complement: BRAF is on the minus strand). VCF-style: chr7-140783040-G-A. GRCh37 (hg19) VCF-style: chr7-140482840-G-A.
Other names: c.1295C>T, p.Ser432Leu (NM_001354609.2, NM_001378468.1, NM_001378474.1); c.1415C>T, p.Ser472Leu (NM_001374244.1, NM_001374258.1); c.1304C>T, p.Ser435Leu (NM_001378467.1); c.1229C>T, p.Ser410Leu (NM_001378469.1); c.1193C>T, p.Ser398Leu (NM_001378470.1); c.1184C>T, p.Ser395Leu (NM_001378471.1); c.1139C>T, p.Ser380Leu (NM_001378472.1, NM_001378473.1); c.1031C>T, p.Ser344Leu (NM_001378475.1); short protein forms S432L, S435L, S380L, S395L, S410L, S344L, S398L, S472L.
Identifiers: ClinVar variation 3720206 (VCV003720206.2).

ClinVar aggregate classification (germline): Uncertain significance (1 of 4 stars; one submission).

Conditions:
RASopathy. Also called: rasopathies; Noonan spectrum disorder. Identifiers: Orphanet 536391, MedGen C5555857, MONDO:0021060.

Submission:

Labcorp Genetics (formerly Invitae), Labcorp
Classification: Uncertain significance for RASopathy. Last evaluated: 2024-12-12. Review status: criteria provided, single submitter. Criteria: Invitae Variant Classification Sherloc (09022015). Collection method: clinical testing. Allele origin: germline.
Comment: This sequence change replaces serine, which is neutral and polar, with leucine, which is neutral and non-polar, at codon 432 of the BRAF protein (p.Ser432Leu). This variant is not present in population databases (gnomAD no frequency). This variant has not been reported in the literature in individuals affected with BRAF-related conditions. Invitae Evidence Modeling of protein sequence and biophysical properties (such as structural, functional, and spatial information, amino acid conservation, physicochemical variation, residue mobility, and thermodynamic stability) indicates that this missense variant is not expected to disrupt BRAF protein function with a negative predictive value of 80%. In summary, the available evidence is currently insufficient to determine the role of this variant in disease. Therefore, it has been classified as a Variant of Uncertain Significance.